The following is an entry in ClinVar:

NM_001009944.3(PKD1):c.6523C>T (p.Leu2175=)

Gene: PKD1 (polycystin 1, transient receptor potential channel interacting; minus strand). Cytogenetic location: 16p13.3.
Variant type: single nucleotide variant.
Coding change: c.6523C>T on transcript NM_001009944.3 (MANE Select); coding-DNA position 6523, C replaced by T.
Protein change: p.Leu2175=; no amino-acid change (leucine 2175 retained).
Molecular consequence: synonymous variant.
Genome position (GRCh38, 1-based): chr16:2,108,644, G>A on the plus strand (C>T on the coding strand, the complement: PKD1 is on the minus strand). VCF-style: chr16-2108644-G-A. GRCh37 (hg19) VCF-style: chr16-2158645-G-A.
Other names: c.6523C>T, p.Leu2175= (NM_000296.4).
Identifiers: ClinVar variation 4980658 (VCV004980658.1).

ClinVar aggregate classification (germline): Likely benign (1 of 4 stars; one submission).

Conditions:
PKD1-related disorder. Also called: PKD1-related condition.

gnomAD v4.1: 1 of 1,561,658 alleles (0.000064%); highest among the groups gnomAD compares: Non-Finnish European, 0.000087%; no homozygotes.

Submission:

PreventionGenetics, part of Exact Sciences
Classification: Likely benign for PKD1-related condition. Last evaluated: 2026-03-28. Review status: criteria provided, single submitter. Criteria: ACMG Guidelines, 2015. Collection method: clinical testing. Allele origin: germline.
Comment: This variant is classified as likely benign based on ACMG/AMP sequence variant interpretation guidelines (Richards et al. 2015 PMID: 25741868, with internal and published modifications).